The following is an entry in ClinVar:

ClinVar aggregate classification (germline): Uncertain significance (1 of 4 stars; one submission).

Conditions:
Inborn genetic diseases. Identifiers: MedGen C0950123, MeSH D030342.

Allele frequency attached by ClinVar (database versions not stated): ExAC 0.00002; gnomAD 0.00002; TOPMed 0.00003.

Submission:

Ambry Genetics
Classification: Uncertain significance for Inborn genetic diseases. Last evaluated: 2021-09-28. Review status: criteria provided, single submitter. Criteria: Ambry Variant Classification Scheme 2023. Collection method: clinical testing. Allele origin: germline.
Comment: The p.T350A variant (also known as c.1048A>G), located in coding exon 9 of the ACD gene, results from an A to G substitution at nucleotide position 1048. The threonine at codon 350 is replaced by alanine, an amino acid with similar properties. This amino acid position is conserved. In addition, this alteration is predicted to be tolerated by in silico analysis. Since supporting evidence is limited at this time, the clinical significance of this alteration remains unclear.

NM_001082486.2(ACD):c.790A>G (p.Thr264Ala)

Gene: ACD (ACD shelterin complex subunit and telomerase recruitment factor; minus strand). Cytogenetic location: 16q22.1.
Variant type: single nucleotide variant.
Coding change: c.790A>G on transcript NM_001082486.2 (MANE Select); coding-DNA position 790, A replaced by G.
Protein change: p.Thr264Ala; replaces threonine 264 with alanine.
Molecular consequence: missense variant.
Genome position (GRCh38, 1-based): chr16:67,658,594, T>C on the plus strand (A>G on the coding strand, the complement: ACD is on the minus strand). VCF-style: chr16-67658594-T-C. GRCh37 (hg19) VCF-style: chr16-67692497-T-C.
Other names: c.781A>G, p.Thr261Ala (NM_022914.3); short protein forms T264A, T261A.
Identifiers: ClinVar variation 1775986 (VCV001775986.2), dbSNP rs750368038, ClinGen allele CA8114533.